The following is an entry in ClinVar:

NM_005732.4(RAD50):c.3929A>G (p.Asn1310Ser)

Genes: RAD50 (RAD50 double strand break repair protein; plus strand), TH2LCRR (T helper type 2 locus control region associated RNA; minus strand). Cytogenetic location: 5q31.1.
Variant type: single nucleotide variant.
Coding change: c.3929A>G on transcript NM_005732.4 (MANE Select); coding-DNA position 3929, A replaced by G.
Protein change: p.Asn1310Ser; replaces asparagine 1310 with serine.
Molecular consequence: missense variant.
Genome position (GRCh38, 1-based): chr5:132,642,354, A>G. VCF-style: chr5-132642354-A-G. GRCh37 (hg19) VCF-style: chr5-131978046-A-G.
Other names: short protein forms N1310S.
Identifiers: ClinVar variation 185847 (VCV000185847.17), dbSNP rs753468016, ClinGen allele CA333887.
Genomic context (GRCh38, chr5:132,642,354, plus strand): 5'-AAAAGAACATCGATCAGTGCTCAGAGATTGTGAAATGCAGTGTTAGCTCCCTGGGATTCA[A>G]TGTTCATTAAAAATATCCAAGATTTAAATGCCATAGAAATGTAGGTCCTCAGAAAGTGTA-3'
Protein context (NP_005723.2, residues 1300-1312): VKCSVSSLGF[Asn1310Ser]VH

ClinVar aggregate classification (germline): Uncertain significance. Review status: criteria provided, multiple submitters, no conflicts (2 of 4 stars). 4 submissions from 4 submitters: Uncertain significance (4). Last evaluated 2025-08-04.

Conditions:
Hereditary cancer-predisposing syndrome. Also called: Hereditary neoplastic syndrome; Neoplastic Syndromes, Hereditary; Tumor predisposition; Hereditary Cancer Syndrome. Identifiers: Orphanet 140162, MedGen C0027672, MeSH D009386, MONDO:0015356.

Allele frequency attached by ClinVar (database versions not stated): gnomAD 0.00001; TOPMed 0.00002; ExAC 0.00006.
gnomAD v4.1: 54 of 1,613,226 alleles (0.0033%); highest among the groups gnomAD compares: Admixed American, 0.005%; no homozygotes.

Submissions (4):

Labcorp Genetics (formerly Invitae), Labcorp
Classification: Uncertain significance for Hereditary cancer-predisposing syndrome. Last evaluated: 2025-08-04. Review status: criteria provided, single submitter. Criteria: Invitae Variant Classification Sherloc (09022015). Collection method: clinical testing. Allele origin: germline.
Comment: This sequence change replaces asparagine, which is neutral and polar, with serine, which is neutral and polar, at codon 1310 of the RAD50 protein (p.Asn1310Ser). This variant is present in population databases (rs753468016, gnomAD 0.007%). This variant has not been reported in the literature in individuals affected with RAD50-related conditions. ClinVar contains an entry for this variant (Variation ID: 185847). An algorithm developed to predict the effect of missense changes on protein structure and function outputs the following: PolyPhen-2: "Benign". The serine amino acid residue is found in multiple mammalian species, which suggests that this missense change does not adversely affect protein function. In summary, the available evidence is currently insufficient to determine the role of this variant in disease. Therefore, it has been classified as a Variant of Uncertain Significance.

Ambry Genetics
Classification: Uncertain significance for Hereditary cancer-predisposing syndrome. Last evaluated: 2022-12-12. Review status: criteria provided, single submitter. Criteria: Ambry Variant Classification Scheme 2023. Collection method: clinical testing. Allele origin: germline.
Comment: The p.N1310S variant (also known as c.3929A>G), located in coding exon 25 of the RAD50 gene, results from an A to G substitution at nucleotide position 3929. The asparagine at codon 1310 is replaced by serine, an amino acid with highly similar properties. This alteration has been reported in 1/1197 individuals from Greece, Romania, and Turkey undergoing evaluation for inherited cancer predisposition (Tsaousis GN et al. BMC Cancer, 2019 Jun;19:535). This amino acid position is poorly conserved in available vertebrate species. In addition, this alteration is predicted to be tolerated by in silico analysis. Since supporting evidence is limited at this time, the clinical significance of this alteration remains unclear.

Institute for Clinical Genetics, University Hospital TU Dresden, University Hospital TU Dresden
Classification: Uncertain significance. Last evaluated: 2021-11-03. Review status: criteria provided, single submitter. Criteria: ACMG Guidelines, 2015. Collection method: clinical testing. Allele origin: germline.

GeneKor MSA
Classification: Uncertain significance for Hereditary cancer-predisposing syndrome. Last evaluated: 2018-08-01. Review status: criteria provided, single submitter. Criteria: ACMG Guidelines, 2015. Collection method: clinical testing. Allele origin: germline. Affected: yes.

Literature cited by the submitters: PubMed 31159747 (cited by Ambry Genetics).